The following is an entry in ClinVar:

NM_000551.4(VHL):c.-58C>T

Gene: VHL (von Hippel-Lindau tumor suppressor; plus strand). Cytogenetic location: 3p25.3.
Variant type: single nucleotide variant.
Coding change: c.-58C>T on transcript NM_000551.4 (MANE Select); 58 bases upstream of the start codon, C replaced by T.
Molecular consequence: 5 prime UTR variant. On other transcripts: non-coding transcript variant (1).
Genome position (GRCh38, 1-based): chr3:10,141,790, C>T. VCF-style: chr3-10141790-C-T. GRCh37 (hg19) VCF-style: chr3-10183474-C-T.
Other names: c.-58C>T (NM_001354723.2, NM_198156.3).
Identifiers: ClinVar variation 3749293 (VCV003749293.2).

ClinVar aggregate classification (germline): Uncertain significance (1 of 4 stars; one submission).

Conditions:
Chuvash polycythemia. Also called: POLYCYTHEMIA, VHL-DEPENDENT. Identifiers: Orphanet 238557, MedGen C1837915, MONDO:0009892, OMIM 263400.
Von Hippel-Lindau syndrome (VHLS). Also called: Von Hippel-Lindau; von Hippel–Lindau syndrome; VHL syndrome. Identifiers: Orphanet 892, MedGen C0019562, MONDO:0008667, OMIM 193300. Disease mechanism: loss of function.

gnomAD v4.1: 10 of 1,528,030 alleles (0.00065%); highest among the groups gnomAD compares: East Asian, 0.0074%; no homozygotes.

Submission:

Labcorp Genetics (formerly Invitae), Labcorp
Classification: Uncertain significance for Von Hippel-Lindau syndrome; Chuvash polycythemia. Last evaluated: 2025-11-18. Review status: criteria provided, single submitter. Criteria: Invitae Variant Classification Sherloc (09022015). Collection method: clinical testing. Allele origin: germline.
Comment: This variant occurs in a non-coding region of the VHL gene. It does not change the encoded amino acid sequence of the VHL protein. This variant is not present in population databases (gnomAD no frequency). This variant has not been reported in the literature in individuals affected with VHL-related conditions. ClinVar contains an entry for this variant (Variation ID: 3749293). In summary, the available evidence is currently insufficient to determine the role of this variant in disease. Therefore, it has been classified as a Variant of Uncertain Significance.